The following is an entry in ClinVar:

NC_012920.1(MT-TQ):m.4384T>A

Gene: MT-TQ (mitochondrially encoded tRNA glutamine; minus strand).
Variant type: single nucleotide variant.
Genome position: chrM-4384-T-A.
Identifiers: ClinVar variation 689900 (VCV000689900.1), dbSNP rs1603219436, ClinGen allele CA913177957.
Genomic context (GRCh38, chrMT:4,384, plus strand): 5'-TATTTCTAGGACTATGAGAATCGAACCCATCCCTGAGAATCCAAAATTCTCCGTGCCACC[T>A]ATCACACCCCATCCTAAAGTAAGGTCAGCTAAATAAGCTATCGGGCCCATACCCCGAAAA-3'

ClinVar aggregate classification (germline): Likely benign (1 of 4 stars; one submission).

Conditions:
MELAS syndrome (MELAS). Also called: Juvenile myopathy, encephalopathy, lactic acidosis, stroke. Identifiers: Orphanet 550, MedGen C0162671, MONDO:0010789, OMIM 540000.

Submission:

Wong Mito Lab, Molecular and Human Genetics, Baylor College of Medicine
Classification: Likely benign for MELAS syndrome. Last evaluated: 2019-07-12. Review status: criteria provided, single submitter. Criteria: Modified ACMG Guidelines (Unpublished). Collection method: clinical testing. Allele origin: germline.
Comment: The NC_012920.1:m.4384T>A variant in MT-TQ gene is interpreted to be a Likely Benign variant based on the modified ACMG guidelines (unpublished). This variant meets the following evidence codes reported in the guidelines: BS4, BP4

Literature cited by the submitters: PubMed 31965079.